The following is an entry in ClinVar:

NM_198572.3(SPATC1):c.1638C>T (p.Gly546=)

Gene: SPATC1 (spermatogenesis and centriole associated 1; plus strand). Cytogenetic location: 8q24.3.
Variant type: single nucleotide variant.
Coding change: c.1638C>T on transcript NM_198572.3 (MANE Select); coding-DNA position 1638, C replaced by T.
Protein change: p.Gly546=; no amino-acid change (glycine 546 retained).
Molecular consequence: synonymous variant. On other transcripts: 3 prime UTR variant (1).
Genome position (GRCh38, 1-based): chr8:144,046,818, C>T. VCF-style: chr8-144046818-C-T. GRCh37 (hg19) VCF-style: chr8-145101719-C-T.
Other names: c.*172C>T (NM_001134374.2).
Identifiers: ClinVar variation 3388059 (VCV003388059.14).

ClinVar aggregate classification (germline): Likely benign (1 of 4 stars; one submission).

gnomAD v4.1: 549 of 1,604,686 alleles (0.034%); highest among the groups gnomAD compares: Non-Finnish European, 0.042%; 1 homozygote.

Submission:

CeGaT Center for Human Genetics Tuebingen
Classification: Likely benign. Last evaluated: 2024-11-01. Review status: criteria provided, single submitter. Criteria: CeGaT Center For Human Genetics Tuebingen Variant Classification Criteria Version 2. Collection method: clinical testing. Allele origin: germline. Affected: yes. Observed: 1 variant allele.
Comment: SPATC1: BP4, BP7